The following is an entry in ClinVar:

NM_005045.4(RELN):c.946C>T (p.Pro316Ser)

Gene: RELN (reelin; minus strand). Cytogenetic location: 7q22.1.
Variant type: single nucleotide variant.
Coding change: c.946C>T on transcript NM_005045.4 (MANE Select); coding-DNA position 946, C replaced by T.
Protein change: p.Pro316Ser; replaces proline 316 with serine.
Molecular consequence: missense variant.
Genome position (GRCh38, 1-based): chr7:103,698,050, G>A on the plus strand (C>T on the coding strand, the complement: RELN is on the minus strand). VCF-style: chr7-103698050-G-A. GRCh37 (hg19) VCF-style: chr7-103338497-G-A.
Other names: c.946C>T, p.Pro316Ser (NM_173054.3); short protein forms P316S.
Identifiers: ClinVar variation 3755494 (VCV003755494.2).
Genomic context (GRCh38, chr7:103,698,050, plus strand): 5'-CTACACGAAGATTTTCCTGCTTCCACTGAAATTGGACATTCTCCCCTTTGGCGTCCTCAG[G>A]AAGGTAGAGGATATGGATGATTGTGCTGACATTGGAAGGGGCTCTGGAACATACAGAGAG-3'
Protein context (NP_005036.2, residues 306-326): VSTIIHILYL[Pro316Ser]EDAKGENVQF

ClinVar aggregate classification (germline): Uncertain significance (1 of 4 stars; one submission).

Conditions:
Familial temporal lobe epilepsy 7. Identifiers: Orphanet 101046, MedGen C4225327, MONDO:0014639, OMIM 616436.
Norman-Roberts syndrome (LIS2). Also called: Lissencephaly 2 (Norman-Roberts type). Identifiers: Orphanet 89844, MedGen C0796089, MONDO:0009760, OMIM 257320.

Submission:

Labcorp Genetics (formerly Invitae), Labcorp
Classification: Uncertain significance for Familial temporal lobe epilepsy 7; Norman-Roberts syndrome. Last evaluated: 2024-03-24. Review status: criteria provided, single submitter. Criteria: Invitae Variant Classification Sherloc (09022015). Collection method: clinical testing. Allele origin: germline.
Comment: This sequence change replaces proline, which is neutral and non-polar, with serine, which is neutral and polar, at codon 316 of the RELN protein (p.Pro316Ser). This variant is not present in population databases (gnomAD no frequency). This variant has not been reported in the literature in individuals affected with RELN-related conditions. Advanced modeling of protein sequence and biophysical properties (such as structural, functional, and spatial information, amino acid conservation, physicochemical variation, residue mobility, and thermodynamic stability) performed at Invitae indicates that this missense variant is not expected to disrupt RELN protein function with a negative predictive value of 80%. In summary, the available evidence is currently insufficient to determine the role of this variant in disease. Therefore, it has been classified as a Variant of Uncertain Significance.